The following is an entry in ClinVar:

NM_001378120.1(MBD5):c.2762C>G (p.Ser921Cys)

Gene: MBD5 (methyl-CpG binding domain protein 5; plus strand). Cytogenetic location: 2q23.1.
Variant type: single nucleotide variant.
Coding change: c.2762C>G on transcript NM_001378120.1 (MANE Select); coding-DNA position 2762, C replaced by G.
Protein change: p.Ser921Cys; replaces serine 921 with cysteine.
Molecular consequence: missense variant.
Genome position (GRCh38, 1-based): chr2:148,483,353, C>G. VCF-style: chr2-148483353-C-G. GRCh37 (hg19) VCF-style: chr2-149240922-C-G.
Other names: c.2762C>G, p.Ser921Cys (NM_018328.5); short protein forms S921C.
Identifiers: ClinVar variation 1960290 (VCV001960290.5), dbSNP rs545034063, ClinGen allele CA1900212.

ClinVar aggregate classification (germline): Uncertain significance (1 of 4 stars; one submission).

Conditions:
Intellectual developmental disorder, autosomal dominant 1. Also called: MBD5 Haploinsufficiency; Intellectual disability, autosomal dominant 1. Identifiers: Orphanet 228402, MedGen C1969562, MONDO:0007974, OMIM 156200.

Allele frequency attached by ClinVar (database versions not stated): gnomAD exomes below 0.00001; 1000 Genomes Project 30x 0.00016; 1000 Genomes Project 0.00020.
gnomAD v4.1: 2 of 1,614,096 alleles (0.00012%); highest among the groups gnomAD compares: Admixed American, 0.0033%; no homozygotes.

Submission:

Labcorp Genetics (formerly Invitae), Labcorp
Classification: Uncertain significance for Intellectual developmental disorder, autosomal dominant 1. Last evaluated: 2022-06-07. Review status: criteria provided, single submitter. Criteria: Invitae Variant Classification Sherloc (09022015). Collection method: clinical testing. Allele origin: germline.
Comment: This sequence change replaces serine, which is neutral and polar, with cysteine, which is neutral and slightly polar, at codon 921 of the MBD5 protein (p.Ser921Cys). This variant is present in population databases (rs545034063, gnomAD 0.003%). This variant has not been reported in the literature in individuals affected with MBD5-related conditions. Algorithms developed to predict the effect of missense changes on protein structure and function are either unavailable or do not agree on the potential impact of this missense change (SIFT: "Deleterious"; PolyPhen-2: "Not Available"; Align-GVGD: "Class C0"). In summary, the available evidence is currently insufficient to determine the role of this variant in disease. Therefore, it has been classified as a Variant of Uncertain Significance.